The following is an entry in ClinVar:

ClinVar aggregate classification (germline): Uncertain significance (1 of 4 stars; one submission).

Conditions:
Charcot-Marie-Tooth disease, type I (CMT1). Also called: Charcot-Marie-Tooth, Type 1; Charcot-Marie-Tooth disease type 1. Identifiers: Orphanet 65753, MedGen C0751036, MONDO:0019011.

Submission:

Labcorp Genetics (formerly Invitae), Labcorp
Classification: Uncertain significance for Charcot-Marie-Tooth disease, type I. Last evaluated: 2022-03-12. Review status: criteria provided, single submitter. Criteria: Invitae Variant Classification Sherloc (09022015). Collection method: clinical testing. Allele origin: germline.
Comment: In summary, the available evidence is currently insufficient to determine the role of this variant in disease. Therefore, it has been classified as a Variant of Uncertain Significance. This variant disrupts the p.Ser51 amino acid residue in MPZ. Other variant(s) that disrupt this residue have been determined to be pathogenic (PMID: 11437164, 19293842, 23649551, 24819634). This suggests that this residue is clinically significant, and that variants that disrupt this residue are likely to be disease-causing. Algorithms developed to predict the effect of missense changes on protein structure and function (SIFT, PolyPhen-2, Align-GVGD) all suggest that this variant is likely to be disruptive. This variant has not been reported in the literature in individuals affected with MPZ-related conditions. This variant is not present in population databases (gnomAD no frequency). This sequence change replaces serine, which is neutral and polar, with threonine, which is neutral and polar, at codon 51 of the MPZ protein (p.Ser51Thr).

Literature cited by the submitters: PubMed 11437164; PubMed 19293842; PubMed 23649551; PubMed 24819634.

NM_000530.8(MPZ):c.151T>A (p.Ser51Thr)

Gene: MPZ (myelin protein zero; minus strand). Cytogenetic location: 1q23.3.
Variant type: single nucleotide variant.
Coding change: c.151T>A on transcript NM_000530.8 (MANE Select); coding-DNA position 151, T replaced by A.
Protein change: p.Ser51Thr; replaces serine 51 with threonine.
Molecular consequence: missense variant.
Genome position (GRCh38, 1-based): chr1:161,307,341, A>T on the plus strand (T>A on the coding strand, the complement: MPZ is on the minus strand). VCF-style: chr1-161307341-A-T. GRCh37 (hg19) VCF-style: chr1-161277131-A-T.
Other names: c.151T>A, p.Ser51Thr (NM_001315491.2); short protein forms S51T.
Identifiers: ClinVar variation 2109935 (VCV002109935.4), dbSNP rs2526243660, ClinGen allele CA343351176.